The following is an entry in ClinVar:

ClinVar aggregate classification (germline): Benign (1 of 4 stars; one submission).

Conditions:
Spinocerebellar ataxia type 37. Identifiers: Orphanet 363710, MedGen C3889636, MONDO:0014410, OMIM 615945.

Allele frequency attached by ClinVar (database versions not stated): 1000 Genomes Project 30x 0.01468; 1000 Genomes Project 0.01577; gnomAD 0.02099; TOPMed 0.02222.
gnomAD v4.1: 9,603 of 466,226 alleles (2.1%); highest among the groups gnomAD compares: Middle Eastern, 2.8%; 136 homozygotes.

Submission:

Molecular Genetics, Royal Melbourne Hospital
Classification: Benign for Spinocerebellar ataxia type 37. Last evaluated: 2023-05-04. Review status: criteria provided, single submitter. Criteria: ACMG Guidelines, 2015. Collection method: clinical testing. Allele origin: germline. Affected: yes.
Comment: African/African American population allele frequency is 2.123% (rs76376472, 208/8706 alleles, 4 homozygotes in gnomAD v2.1). Based on the classification scheme RMH Modified ACMG/AMP Guidelines v1.2.1, this variant is classified as BENIGN. Following criteria are met: BA1

NM_001365792.1(DAB1):c.-136-4G>T

Gene: DAB1 (DAB adaptor protein 1; minus strand). Cytogenetic location: 1p32.2.
Variant type: single nucleotide variant.
Coding change: c.-136-4G>T on transcript NM_001365792.1 (MANE Select); 4 bases into the intron before 136 bases upstream of the start codon, G replaced by T.
Molecular consequence: intron variant.
Genome position (GRCh38, 1-based): chr1:57,291,170, C>A on the plus strand (G>T on the coding strand, the complement: DAB1 is on the minus strand). VCF-style: chr1-57291170-C-A. GRCh37 (hg19) VCF-style: chr1-57756842-C-A.
Other names: c.-136-4G>T (NM_001379461.1, NM_021080.5, NM_001379462.1 and 7 more transcripts).
Identifiers: ClinVar variation 3068648 (VCV003068648.1), dbSNP rs76376472, ClinGen allele CA23111890.